The following is an entry in ClinVar:

ClinVar aggregate classification (germline): Likely benign. Review status: criteria provided, multiple submitters, no conflicts (2 of 4 stars). 3 submissions from 3 submitters: Likely benign (3). Last evaluated 2026-06-04.

Conditions:
NEXN-related disorder. Also called: NEXN-related disorders; NEXN-related condition.
Cardiovascular phenotype. Identifiers: MedGen CN230736.
Dilated cardiomyopathy 1CC (CMD1CC). Identifiers: Orphanet 154, MedGen C2751084, MONDO:0013147, OMIM 613122.
Hypertrophic cardiomyopathy 20. Identifiers: MedGen C3151267, MONDO:0013477, OMIM 613876.

Allele frequency attached by ClinVar (database versions not stated): TOPMed 0.00002; gnomAD 0.00003 and 0.00004.
gnomAD v4.1: 43 of 1,612,830 alleles (0.0027%); highest among the groups gnomAD compares: African/African-American, 0.004%; no homozygotes.

Submissions (3):

PreventionGenetics, part of Exact Sciences
Classification: Likely benign for NEXN-related condition. Last evaluated: 2026-06-04. Review status: criteria provided, single submitter. Criteria: ACMG Guidelines, 2015. Collection method: clinical testing. Allele origin: germline.
Comment: This variant is classified as likely benign based on ACMG/AMP sequence variant interpretation guidelines (Richards et al. 2015 PMID: 25741868, with internal and published modifications).

Ambry Genetics
Classification: Likely benign for Cardiovascular phenotype. Last evaluated: 2023-02-28. Review status: criteria provided, single submitter. Criteria: Ambry Variant Classification Scheme 2023. Collection method: clinical testing. Allele origin: germline.

Labcorp Genetics (formerly Invitae), Labcorp
Classification: Likely benign for Dilated cardiomyopathy 1CC; Hypertrophic cardiomyopathy 20. Last evaluated: 2019-08-25. Review status: criteria provided, single submitter. Criteria: Invitae Variant Classification Sherloc (09022015). Collection method: clinical testing. Allele origin: germline.

NM_144573.4(NEXN):c.1450C>A (p.Arg484=)

Gene: NEXN (nexilin F-actin binding protein; plus strand). Cytogenetic location: 1p31.1.
Variant type: single nucleotide variant.
Coding change: c.1450C>A on transcript NM_144573.4 (MANE Select); coding-DNA position 1450, C replaced by A.
Protein change: p.Arg484=; no amino-acid change (arginine 484 retained).
Molecular consequence: synonymous variant.
Genome position (GRCh38, 1-based): chr1:77,936,021, C>A. VCF-style: chr1-77936021-C-A. GRCh37 (hg19) VCF-style: chr1-78401706-C-A.
Other names: c.1258C>A, p.Arg420= (NM_001172309.2).
Identifiers: ClinVar variation 699510 (VCV000699510.13), dbSNP rs767792289, ClinGen allele CA918880.